The following is an entry in ClinVar:

NM_000138.5(FBN1):c.8218A>G (p.Asn2740Asp)

Gene: FBN1 (fibrillin 1; minus strand). Cytogenetic location: 15q21.1.
Variant type: single nucleotide variant.
Coding change: c.8218A>G on transcript NM_000138.5 (MANE Select); coding-DNA position 8218, A replaced by G.
Protein change: p.Asn2740Asp; replaces asparagine 2740 with aspartic acid.
Molecular consequence: missense variant.
Genome position (GRCh38, 1-based): chr15:48,412,577, T>C on the plus strand (A>G on the coding strand, the complement: FBN1 is on the minus strand). VCF-style: chr15-48412577-T-C. GRCh37 (hg19) VCF-style: chr15-48704774-T-C.
Other names: short protein forms N2740D.
Identifiers: ClinVar variation 42440 (VCV000042440.14), dbSNP rs397515860, ClinGen allele CA017620.

ClinVar aggregate classification (germline): Uncertain significance. Review status: criteria provided, multiple submitters, no conflicts (2 of 4 stars). 4 submissions from 4 submitters: Uncertain significance (4). Last evaluated 2025-03-02.

Conditions:
Marfan syndrome (MFS). Also called: FBN1-Related Marfan Syndrome; Marfan syndrome, classic; MARFAN SYNDROME, TYPE I; Marfan syndrome type 1; Marfan's syndrome. Identifiers: Orphanet 284963, Orphanet 558, MedGen C0024796, MONDO:0007947, OMIM 154700.
Familial thoracic aortic aneurysm and aortic dissection (TAAD). Also called: Thoracic aortic aneurysms and dissections. Identifiers: Orphanet 91387, MedGen C4707243, MONDO:0019625.

Allele frequency attached by ClinVar (database versions not stated): TOPMed below 0.00001; gnomAD exomes 0.00001; gnomAD 0.00001.
gnomAD v4.1: 6 of 1,613,960 alleles (0.00037%); highest among the groups gnomAD compares: Non-Finnish European, 0.00051%; no homozygotes.

Submissions (4):

Labcorp Genetics (formerly Invitae), Labcorp
Classification: Uncertain significance for Marfan syndrome; Familial thoracic aortic aneurysm and aortic dissection. Last evaluated: 2025-03-02. Review status: criteria provided, single submitter. Criteria: Invitae Variant Classification Sherloc (09022015). Collection method: clinical testing. Allele origin: germline.
Comment: This sequence change replaces asparagine, which is neutral and polar, with aspartic acid, which is acidic and polar, at codon 2740 of the FBN1 protein (p.Asn2740Asp). This variant is present in population databases (rs397515860, gnomAD 0.002%). This missense change has been observed in individuals with aortic aneurysm and/or aortic dilation (PMID: 24793577; internal data). ClinVar contains an entry for this variant (Variation ID: 42440). Invitae Evidence Modeling of protein sequence and biophysical properties (such as structural, functional, and spatial information, amino acid conservation, physicochemical variation, residue mobility, and thermodynamic stability) indicates that this missense variant is not expected to disrupt FBN1 protein function with a negative predictive value of 95%. In summary, the available evidence is currently insufficient to determine the role of this variant in disease. Therefore, it has been classified as a Variant of Uncertain Significance.

All of Us Research Program, National Institutes of Health
Classification: Uncertain significance for Marfan syndrome. Last evaluated: 2024-08-06. Review status: criteria provided, single submitter. Criteria: ACMG Guidelines, 2015. Collection method: clinical testing. Allele origin: germline. Inheritance: Autosomal dominant inheritance. Observed: 3 variant alleles, 3 heterozygotes.
Comment: This missense variant replaces asparagine with aspartic acid at codon 2740 of the FBN1 protein. Computational prediction suggests that this variant may not impact protein structure and function (internally defined REVEL score threshold <= 0.5, PMID: 27666373). To our knowledge, functional studies have not been reported for this variant. This variant has been reported in an individual affected with thoracic aortic aneurysm and dissection (PMID: 24793577). This variant has been identified in 2/251258 chromosomes in the general population by the Genome Aggregation Database (gnomAD). The available evidence is insufficient to determine the role of this variant in disease conclusively. Therefore, this variant is classified as a Variant of Uncertain Significance.

This study involves interpretation of variants in research participants for the purpose of population health screening. Participant phenotype was not available at the time of variant classification. Additional details can be found in publication PMID: 35346344, PMCID: PMC8962531

Ambry Genetics
Classification: Uncertain significance for Familial thoracic aortic aneurysm and aortic dissection. Last evaluated: 2022-12-02. Review status: criteria provided, single submitter. Criteria: Ambry Variant Classification Scheme 2023. Collection method: clinical testing. Allele origin: germline.
Comment: The p.N2740D variant (also known as c.8218A>G), located in coding exon 64 of the FBN1 gene, results from an A to G substitution at nucleotide position 8218. The asparagine at codon 2740 is replaced by aspartic acid, an amino acid with highly similar properties. In a study of patients undergoing clinical aortopathy genetic testing, this alteration was reported in a single individual with thoracic aortic aneurysm and dissection; however, clinical details were limited (Lerner-Ellis JP et al. Mol. Genet. Metab., 2014 Jun;112:171-6). From this same study, another alteration affecting this amino acid (p.N2740S, c.8219A>G) was reported in a single individual with suspected Marfan syndrome. This amino acid position is not well conserved in available vertebrate species, and aspartic acid is the reference amino acid in other vertebrate species. In addition, this alteration is predicted to be tolerated by in silico analysis. Since supporting evidence is limited at this time, the clinical significance of this alteration remains unclear.

Laboratory for Molecular Medicine, Mass General Brigham Personalized Medicine
Classification: Uncertain significance. Last evaluated: 2013-03-05. Review status: criteria provided, single submitter. Criteria: LMM Criteria. Collection method: clinical testing. Allele origin: germline. Observed: 2 variant alleles.
Comment: The Asn2740 residue is not well conserved in mammalian species and is replaced by the varia nt residue, Asp, in the Rat and Mouse. In addition, computational analyses (bioc hemical amino acid properties, AlignGVGD, PolyPhen2, and SIFT) suggest that the Asn2740Asp variant may not impact the protein, though this information is not pr edictive enough to rule out pathogenicity. This variant has also not been identi fied in large European American and African American populations by the NHLBI Ex ome Sequencing Project, though it may be pres ent in other populations. In summary, additional information is needed to fully assess the clinical significance of the Asn2740Asp variant.

Literature cited by the submitters: PubMed 24793577 (cited by 3 submitters).